The following is an entry in ClinVar:

NM_002303.6(LEPR):c.390G>C (p.Gln130His)

Gene: LEPR (leptin receptor; plus strand). Cytogenetic location: 1p31.3.
Variant type: single nucleotide variant.
Coding change: c.390G>C on transcript NM_002303.6 (MANE Select); coding-DNA position 390, G replaced by C.
Protein change: p.Gln130His; replaces glutamine 130 with histidine.
Molecular consequence: missense variant.
Genome position (GRCh38, 1-based): chr1:65,572,345, G>C. VCF-style: chr1-65572345-G-C. GRCh37 (hg19) VCF-style: chr1-66038028-G-C.
Other names: c.390G>C, p.Gln130His (NM_001003679.3, NM_001003680.3, NM_001198687.2 and 2 more transcripts); short protein forms Q130H.
Identifiers: ClinVar variation 4046894 (VCV004046894.2).

ClinVar aggregate classification (germline): Uncertain significance. Review status: criteria provided, multiple submitters, no conflicts (2 of 4 stars). 2 submissions from 2 submitters: Uncertain significance (2). Last evaluated 2025-11-24.

Conditions:
LEPR-related disorder. Also called: LEPR-related disorders; LEPR-related condition.
Inborn genetic diseases. Identifiers: MedGen C0950123, MeSH D030342.

gnomAD v4.1: 31 of 1,099,230 alleles (0.0028%); highest among the groups gnomAD compares: Middle Eastern, 0.07%; no homozygotes.

Submissions (2):

PreventionGenetics, part of Exact Sciences
Classification: Uncertain significance for LEPR-related condition. Last evaluated: 2025-11-24. Review status: criteria provided, single submitter. Criteria: ACMG Guidelines, 2015. Collection method: clinical testing. Allele origin: germline.
Comment: The LEPR c.390G>C variant is predicted to result in the amino acid substitution p.Gln130His. This variant was observed in a cohort of individuals with obesity, and in vitro functional studies showed inconclusive evidence of loss of function (Supplemental Data Set, Shah et al. 2023. PubMed ID: 36864747). This variant is reported in 0.0056% of alleles in individuals of East Asian descent in gnomAD. At this time, the clinical significance of this variant is uncertain due to the absence of conclusive functional and genetic evidence.

Ambry Genetics
Classification: Uncertain significance for Inborn genetic diseases. Last evaluated: 2025-04-14. Review status: criteria provided, single submitter. Criteria: Ambry Variant Classification Scheme 2023. Collection method: clinical testing. Allele origin: germline.